The following is an entry in ClinVar:

NM_001375524.1(TRRAP):c.10948G>A (p.Asp3650Asn)

Gene: TRRAP (transformation/transcription domain associated protein; plus strand). Cytogenetic location: 7q22.1.
Variant type: single nucleotide variant.
Coding change: c.10948G>A on transcript NM_001375524.1 (MANE Select); coding-DNA position 10948, G replaced by A.
Protein change: p.Asp3650Asn; replaces aspartic acid 3650 with asparagine.
Molecular consequence: missense variant.
Genome position (GRCh38, 1-based): chr7:99,011,061, G>A. VCF-style: chr7-99011061-G-A. GRCh37 (hg19) VCF-style: chr7-98608684-G-A.
Other names: c.10906G>A, p.Asp3636Asn (NM_001244580.2); c.10819G>A, p.Asp3607Asn (NM_003496.4); short protein forms D3607N, D3636N, D3650N.
Identifiers: ClinVar variation 1331582 (VCV001331582.4), dbSNP rs2116883761, ClinGen allele CA368341648.

ClinVar aggregate classification (germline): Uncertain significance (1 of 4 stars; one submission).

Submission:

Greenwood Genetic Center Diagnostic Laboratories, Greenwood Genetic Center
Classification: Uncertain significance. Last evaluated: 2021-02-15. Review status: criteria provided, single submitter. Criteria: ACMG Guidelines, 2015. Collection method: clinical testing. Allele origin: germline. Affected: yes.
Comment: BP4, PP2, PM2